The following is an entry in ClinVar:

NM_012318.3(LETM1):c.416C>T (p.Pro139Leu)

Gene: LETM1 (leucine zipper and EF-hand containing transmembrane protein 1; minus strand). Cytogenetic location: 4p16.3.
Variant type: single nucleotide variant.
Coding change: c.416C>T on transcript NM_012318.3 (MANE Select); coding-DNA position 416, C replaced by T.
Protein change: p.Pro139Leu; replaces proline 139 with leucine.
Molecular consequence: missense variant.
Genome position (GRCh38, 1-based): chr4:1,841,525, G>A on the plus strand (C>T on the coding strand, the complement: LETM1 is on the minus strand). VCF-style: chr4-1841525-G-A. GRCh37 (hg19) VCF-style: chr4-1843252-G-A.
Other names: short protein forms P139L.
Identifiers: ClinVar variation 2047160 (VCV002047160.3), dbSNP rs147072184, ClinGen allele CA2811636.
Genomic context (GRCh38, chr4:1,841,525, plus strand): 5'-TCCAGCACCCGCTGCCCCAGGGACTTCTTCACCACCACCTCTGCGGGGGGGCTGTACACC[G>A]GGCCGCCTTCCTCCAGCTTCTTGTTCTTGTCCTTCAAGGACTTGAGGGACTTCTCTACTA-3'
Protein context (NP_036450.1, residues 129-149): DKNKKLEEGG[Pro139Leu]VYSPPAEVVV

ClinVar aggregate classification (germline): Uncertain significance (1 of 4 stars; one submission).

Allele frequency attached by ClinVar (database versions not stated): ESP Exome Variant Server 0.00008; gnomAD 0.00003; TOPMed 0.00003.
gnomAD v4.1: 59 of 1,614,078 alleles (0.0037%); highest among the groups gnomAD compares: Admixed American, 0.015%; no homozygotes.

Submission:

Labcorp Genetics (formerly Invitae), Labcorp
Classification: Uncertain significance. Last evaluated: 2024-10-24. Review status: criteria provided, single submitter. Criteria: Invitae Variant Classification Sherloc (09022015). Collection method: clinical testing. Allele origin: germline.
Comment: This sequence change replaces proline, which is neutral and non-polar, with leucine, which is neutral and non-polar, at codon 139 of the LETM1 protein (p.Pro139Leu). This variant is present in population databases (rs147072184, gnomAD 0.02%). This variant has not been reported in the literature in individuals affected with LETM1-related conditions. ClinVar contains an entry for this variant (Variation ID: 2047160). An algorithm developed to predict the effect of missense changes on protein structure and function (PolyPhen-2) suggests that this variant is likely to be disruptive. In summary, the available evidence is currently insufficient to determine the role of this variant in disease. Therefore, it has been classified as a Variant of Uncertain Significance.